The following is an entry in ClinVar:

NM_006767.4(LZTR1):c.1353G>C (p.Glu451Asp)

Gene: LZTR1 (leucine zipper like post translational regulator 1; plus strand). Cytogenetic location: 22q11.21.
Variant type: single nucleotide variant.
Coding change: c.1353G>C on transcript NM_006767.4 (MANE Select); coding-DNA position 1353, G replaced by C.
Protein change: p.Glu451Asp; replaces glutamic acid 451 with aspartic acid.
Molecular consequence: missense variant.
Genome position (GRCh38, 1-based): chr22:20,993,754, G>C. VCF-style: chr22-20993754-G-C. GRCh37 (hg19) VCF-style: chr22-21348043-G-C.
Other names: c.1353G>C (NM_006767.3); short protein forms E451D.
Identifiers: ClinVar variation 1971374 (VCV001971374.8), dbSNP rs1182046872, ClinGen allele CA410774789.

ClinVar aggregate classification (germline): Uncertain significance. Review status: criteria provided, multiple submitters, no conflicts (2 of 4 stars). 3 submissions from 3 submitters: Uncertain significance (3). Last evaluated 2026-01-21.

Conditions:
Hereditary cancer-predisposing syndrome. Also called: Tumor predisposition; Hereditary Cancer Syndrome; Hereditary neoplastic syndrome; Neoplastic Syndromes, Hereditary. Identifiers: Orphanet 140162, MedGen C0027672, MeSH D009386, MONDO:0015356.
Cardiovascular phenotype. Identifiers: MedGen CN230736.
LZTR1-related schwannomatosis. Also called: Schwannomatosis-2, susceptibility to; Schwannomatosis 2. Identifiers: Orphanet 93921, MedGen C3810283, MONDO:0014299, OMIM 615670.

Allele frequency attached by ClinVar (database versions not stated): gnomAD 0.00001; TOPMed 0.00002.
gnomAD v4.1: 2 of 1,612,116 alleles (0.00012%); highest among the groups gnomAD compares: Admixed American, 0.0017%; no homozygotes.

Submissions (3):

Labcorp Genetics (formerly Invitae), Labcorp
Classification: Uncertain significance. Last evaluated: 2026-01-21. Review status: criteria provided, single submitter. Criteria: Invitae Variant Classification Sherloc (09022015). Collection method: clinical testing. Allele origin: germline.
Comment: This sequence change replaces glutamic acid, which is acidic and polar, with aspartic acid, which is acidic and polar, at codon 451 of the LZTR1 protein (p.Glu451Asp). This variant also falls at the last nucleotide of exon 12, which is part of the consensus splice site for this exon. This variant is not present in population databases (gnomAD no frequency). This variant has not been reported in the literature in individuals affected with LZTR1-related conditions. ClinVar contains an entry for this variant (Variation ID: 1971374). An algorithm developed to predict the effect of missense changes on protein structure and function (PolyPhen-2) suggests that this variant is likely to be tolerated. Variants that disrupt the consensus splice site are a relatively common cause of aberrant splicing (PMID: 17576681, 9536098). Algorithms developed to predict the effect of sequence changes on RNA splicing suggest that this variant may disrupt the consensus splice site. In summary, the available evidence is currently insufficient to determine the role of this variant in disease. Therefore, it has been classified as a Variant of Uncertain Significance.

Ambry Genetics
Classification: Uncertain significance for Cardiovascular phenotype; Hereditary cancer-predisposing syndrome. Last evaluated: 2025-01-23. Review status: criteria provided, single submitter. Criteria: Ambry Variant Classification Scheme 2023. Collection method: clinical testing. Allele origin: germline.
Comment: The c.1353G>C variant (also known as p.E451D), located in coding exon 12 of the LZTR1 gene, results from a G to C substitution at nucleotide position 1353. The amino acid change results in glutamic acid to aspartic acid at codon 451, an amino acid with highly similar properties. However, this change occurs in the last base pair of coding exon 12, which makes it likely to have some effect on normal mRNA splicing. In silico splice site analysis predicts that this alteration will weaken the native splice donor site. RNA studies have demonstrated that this alteration results in a transcript predicted to lead to a protein with an in-frame deletion of 31 amino acids; however, the exact functional impact of the deleted amino acids is unknown at this time (Ambry internal data). This nucleotide position is highly conserved in available vertebrate species. Based on the available evidence, the clinical significance of this variant remains unclear.

Baylor Genetics
Classification: Uncertain significance for LZTR1-related schwannomatosis. Last evaluated: 2023-05-11. Review status: criteria provided, single submitter. Criteria: ACMG Guidelines, 2015. Collection method: clinical testing. Allele origin: unknown.

Literature cited by the submitters: PubMed 17576681 (cited by Labcorp Genetics (formerly Invitae), Labcorp); PubMed 9536098 (cited by Labcorp Genetics (formerly Invitae), Labcorp).